The following is an entry in ClinVar:

ClinVar aggregate classification (germline): Uncertain significance (1 of 4 stars; one submission).

Conditions:
Charcot-Marie-Tooth disease type 1C. Also called: Charcot-Marie-Tooth disease, type IC; CHARCOT-MARIE-TOOTH DISEASE, DEMYELINATING, TYPE 1C; CMT, SLOW NERVE CONDUCTION TYPE C; HMSN IC; CHARCOT-MARIE-TOOTH NEUROPATHY, TYPE 1C; NEUROPATHY, HEREDITARY MOTOR AND SENSORY, TYPE IC. Identifiers: Orphanet 101083, MedGen C0270913, MONDO:0010995, OMIM 601098.

Allele frequency attached by ClinVar (database versions not stated): gnomAD exomes below 0.00001.

Submission:

Labcorp Genetics (formerly Invitae), Labcorp
Classification: Uncertain significance for Charcot-Marie-Tooth disease type 1C. Last evaluated: 2017-02-28. Review status: criteria provided, single submitter. Criteria: Invitae Variant Classification Sherloc (09022015). Collection method: clinical testing. Allele origin: germline.
Comment: Algorithms developed to predict the effect of missense changes on protein structure and function (SIFT, PolyPhen-2, Align-GVGD) all suggest that this variant is likely to be tolerated, but these predictions have not been confirmed by published functional studies. In summary, this variant is a novel missense change that is not predicted to affect protein function. There is no indication that it causes disease, but the available evidence is currently insufficient to prove that conclusively. Therefore, it has been classified as a Variant of Uncertain Significance. This sequence change replaces proline with serine at codon 69 of the LITAF protein (p.Pro69Ser). The proline residue is moderately conserved and there is a moderate physicochemical difference between proline and serine. This variant is not present in population databases (ExAC no frequency) and has not been reported in the literature in individuals with a LITAF-related disease.

NM_001136472.2(LITAF):c.205C>T (p.Pro69Ser)

Gene: LITAF (lipopolysaccharide induced TNF factor; minus strand). Cytogenetic location: 16p13.13.
Variant type: single nucleotide variant.
Coding change: c.205C>T on transcript NM_001136472.2 (MANE Select); coding-DNA position 205, C replaced by T.
Protein change: p.Pro69Ser; replaces proline 69 with serine.
Molecular consequence: missense variant. On other transcripts: non-coding transcript variant (1).
Genome position (GRCh38, 1-based): chr16:11,556,526, G>A on the plus strand (C>T on the coding strand, the complement: LITAF is on the minus strand). VCF-style: chr16-11556526-G-A. GRCh37 (hg19) VCF-style: chr16-11650382-G-A.
Other names: c.205C>T, p.Pro69Ser (NM_001136473.1, NM_004862.4); short protein forms P69S.
Identifiers: ClinVar variation 464047 (VCV000464047.8), dbSNP rs1555466907, ClinGen allele CA394767873.